The following is an entry in ClinVar:

NM_005045.4(RELN):c.3920T>C (p.Ile1307Thr)

Gene: RELN (reelin; minus strand). Cytogenetic location: 7q22.1.
Variant type: single nucleotide variant.
Coding change: c.3920T>C on transcript NM_005045.4 (MANE Select); coding-DNA position 3920, T replaced by C.
Protein change: p.Ile1307Thr; replaces isoleucine 1307 with threonine.
Molecular consequence: missense variant.
Genome position (GRCh38, 1-based): chr7:103,589,821, A>G on the plus strand (T>C on the coding strand, the complement: RELN is on the minus strand). VCF-style: chr7-103589821-A-G. GRCh37 (hg19) VCF-style: chr7-103230268-A-G.
Other names: c.3920T>C, p.Ile1307Thr (NM_173054.3); short protein forms I1307T.
Identifiers: ClinVar variation 1514013 (VCV001514013.6), dbSNP rs1372349812, ClinGen allele CA368756413.
Genomic context (GRCh38, chr7:103,589,821, plus strand): 5'-GCATCATGAGAGTACTGAAGAAGAACTGGAGCAGTACTGCTGAATTGATTGGCACAACCT[A>G]TGTTTAGCTGTTAAAAGGAAGGACAAGAATTATACAAGATTTTGGTTCTAAGTCATCACT-3'
Protein context (NP_005036.2, residues 1297-1317): PGYVLQFKLN[Ile1307Thr]GCANQFSSTA

ClinVar aggregate classification (germline): Uncertain significance (1 of 4 stars; one submission).

Conditions:
Norman-Roberts syndrome (LIS2). Also called: Lissencephaly 2 (Norman-Roberts type). Identifiers: Orphanet 89844, MedGen C0796089, MONDO:0009760, OMIM 257320.
Familial temporal lobe epilepsy 7. Identifiers: Orphanet 101046, MedGen C4225327, MONDO:0014639, OMIM 616436.

Allele frequency attached by ClinVar (database versions not stated): gnomAD exomes below 0.00001; gnomAD 0.00001; TOPMed 0.00001.
gnomAD v4.1: 4 of 1,595,472 alleles (0.00025%); highest among the groups gnomAD compares: Admixed American, 0.0017%; no homozygotes.

Submission:

Labcorp Genetics (formerly Invitae), Labcorp
Classification: Uncertain significance for Familial temporal lobe epilepsy 7; Norman-Roberts syndrome. Last evaluated: 2022-07-05. Review status: criteria provided, single submitter. Criteria: Invitae Variant Classification Sherloc (09022015). Collection method: clinical testing. Allele origin: germline.
Comment: In summary, the available evidence is currently insufficient to determine the role of this variant in disease. Therefore, it has been classified as a Variant of Uncertain Significance. Algorithms developed to predict the effect of missense changes on protein structure and function are either unavailable or do not agree on the potential impact of this missense change (SIFT: "Deleterious"; PolyPhen-2: "Possibly Damaging"; Align-GVGD: "Class C0"). ClinVar contains an entry for this variant (Variation ID: 1514013). This variant has not been reported in the literature in individuals affected with RELN-related conditions. This variant is present in population databases (no rsID available, gnomAD 0.003%). This sequence change replaces isoleucine, which is neutral and non-polar, with threonine, which is neutral and polar, at codon 1307 of the RELN protein (p.Ile1307Thr).